The following is an entry in ClinVar:

NM_000051.4(ATM):c.5718_5719del (p.Arg1907fs)

Gene: ATM (ATM serine/threonine kinase; plus strand). Cytogenetic location: 11q22.3.
Variant type: Deletion.
Coding change: c.5718_5719del on transcript NM_000051.4 (MANE Select); coding-DNA positions 5718 to 5719, 2 bases deleted (AA; older notation c.5718_5719delAA).
Protein change: p.Arg1907fs; shifts the reading frame from arginine 1907.
Molecular consequence: frameshift variant.
Genome position (GRCh38, 1-based): chr11:108,307,940-108,307,941, AA deleted; deleting any 2 consecutive bases within chr11:108,307,939-108,307,941 gives the same sequence; the c. name uses the placement nearest the transcript's 3' end. VCF-style (leftmost placement, unchanged base first): chr11-108307938-CAA-C. GRCh37 (hg19) VCF-style: chr11-108178665-CAA-C.
Other names: c.5718_5719del, p.Arg1907fs (NM_001351834.2); c.5718_5719delAA (NM_000051.3); short protein forms R1907fs.
Identifiers: ClinVar variation 453598 (VCV000453598.10), dbSNP rs1555109102, ClinGen allele CA658656268.

ClinVar aggregate classification (germline): Pathogenic. Review status: criteria provided, multiple submitters, no conflicts (2 of 4 stars). 2 submissions from 2 submitters: Pathogenic (2). Last evaluated 2024-02-06.

Conditions:
Hereditary cancer-predisposing syndrome. Also called: Tumor predisposition; Hereditary Cancer Syndrome; Neoplastic Syndromes, Hereditary; Hereditary neoplastic syndrome. Identifiers: Orphanet 140162, MedGen C0027672, MeSH D009386, MONDO:0015356.
Ataxia-telangiectasia syndrome (AT). Also called: Cerebello-oculocutaneous telangiectasia; Immunodeficiency with ataxia telangiectasia; Ataxia-telangiectasia, complementation group D; AT, COMPLEMENTATION GROUP C; Ataxia-telangiectasia, complementation group E; LOUIS-BAR SYNDROME. Identifiers: Orphanet 100, MedGen C0004135, MONDO:0008840, OMIM 208900.

Submissions (2):

Ambry Genetics
Classification: Pathogenic for Hereditary cancer-predisposing syndrome. Last evaluated: 2024-02-06. Review status: criteria provided, single submitter. Criteria: Ambry Variant Classification Scheme 2023. Collection method: clinical testing. Allele origin: germline.
Comment: The c.5718_5719delAA pathogenic mutation, located in coding exon 37 of the ATM gene, results from a deletion of two nucleotides at nucleotide positions 5718 to 5719, causing a translational frameshift with a predicted alternate stop codon (p.R1907Nfs*22). This variant is considered to be rare based on population cohorts in the Genome Aggregation Database (gnomAD). This alteration is expected to result in loss of function by premature protein truncation or nonsense-mediated mRNA decay. As such, this alteration is interpreted as a disease-causing mutation.

Labcorp Genetics (formerly Invitae), Labcorp
Classification: Pathogenic for Ataxia-telangiectasia syndrome. Last evaluated: 2017-07-25. Review status: criteria provided, single submitter. Criteria: Invitae Variant Classification Sherloc (09022015). Collection method: clinical testing. Allele origin: germline.
Comment: For these reasons, this variant has been classified as Pathogenic. Loss-of-function variants in ATM are known to be pathogenic (PMID: 25614872, 23807571). This variant has not been reported in the literature in individuals with ATM-related disease. This variant is not present in population databases (ExAC no frequency). This sequence change creates a premature translational stop signal (p.Arg1907Asnfs*22) in the ATM gene. It is expected to result in an absent or disrupted protein product.

Literature cited by the submitters: PubMed 25614872 (cited by Labcorp Genetics (formerly Invitae), Labcorp); PubMed 23807571 (cited by Labcorp Genetics (formerly Invitae), Labcorp).